The following is an entry in ClinVar:

NM_006662.3(SRCAP):c.1493-8C>T

Gene: SRCAP (Snf2 related CREBBP activator protein; plus strand). Cytogenetic location: 16p11.2.
Variant type: single nucleotide variant.
Coding change: c.1493-8C>T on transcript NM_006662.3 (MANE Select); 8 bases into the intron before coding-DNA position 1493, C replaced by T.
Molecular consequence: intron variant.
Genome position (GRCh38, 1-based): chr16:30,711,827, C>T. VCF-style: chr16-30711827-C-T. GRCh37 (hg19) VCF-style: chr16-30723148-C-T.
Identifiers: ClinVar variation 318862 (VCV000318862.55), dbSNP rs184337406, ClinGen allele CA8011017.

ClinVar aggregate classification (germline): Likely benign. Review status: criteria provided, multiple submitters, no conflicts (2 of 4 stars). 5 submissions from 5 submitters: Likely benign (3). 2 of the submissions do not count toward it. Last evaluated 2026-03-01.

Allele frequency attached by ClinVar (database versions not stated): TOPMed 0.00065.
gnomAD v4.1: 1,646 of 1,613,428 alleles (0.1%); highest among the groups gnomAD compares: Non-Finnish European, 0.13%; 1 homozygote.

Submissions (5):

CeGaT Center for Human Genetics Tuebingen
Classification: Likely benign. Last evaluated: 2026-03-01. Review status: criteria provided, single submitter. Criteria: CeGaT Center For Human Genetics Tuebingen Variant Classification Criteria Version 2. Collection method: clinical testing. Allele origin: germline. Affected: yes. Observed: 4 variant alleles.
Comment: SRCAP: BP4, BS1

Labcorp Genetics (formerly Invitae), Labcorp
Classification: Likely benign. Last evaluated: 2026-02-01. Review status: criteria provided, single submitter. Criteria: Invitae Variant Classification Sherloc (09022015). Collection method: clinical testing. Allele origin: germline.

Blueprint Genetics
Classification: Likely benign. Last evaluated: 2024-11-21. Review status: criteria provided, single submitter. Criteria: ACMG Guidelines, 2015. Collection method: clinical testing. Allele origin: germline.

Clinical Genetics DNA and cytogenetics Diagnostics Lab, Erasmus MC, Erasmus Medical Center
Classification: Likely benign. Review status: no assertion criteria provided. Collection method: clinical testing. Allele origin: germline. Affected: yes. Study: VKGL Data-share Consensus. Not counted in ClinVar's aggregate classification.

Laboratory of Diagnostic Genome Analysis, Leiden University Medical Center (LUMC)
Classification: Likely benign. Review status: no assertion criteria provided. Collection method: clinical testing. Allele origin: germline. Affected: yes. Study: VKGL Data-share Consensus. Not counted in ClinVar's aggregate classification.